The following is an entry in ClinVar:

NM_014244.5(ADAMTS2):c.1373G>A (p.Arg458His)

Gene: ADAMTS2 (ADAM metallopeptidase with thrombospondin type 1 motif 2; minus strand). Cytogenetic location: 5q35.3.
Variant type: single nucleotide variant.
Coding change: c.1373G>A on transcript NM_014244.5 (MANE Select); coding-DNA position 1373, G replaced by A.
Protein change: p.Arg458His; replaces arginine 458 with histidine.
Molecular consequence: missense variant.
Genome position (GRCh38, 1-based): chr5:179,154,058, C>T on the plus strand (G>A on the coding strand, the complement: ADAMTS2 is on the minus strand). VCF-style: chr5-179154058-C-T. GRCh37 (hg19) VCF-style: chr5-178581059-C-T.
Other names: c.1373G>A, p.Arg458His (NM_021599.4); short protein forms R458H.
Identifiers: ClinVar variation 391746 (VCV000391746.9), dbSNP rs768230986, ClinGen allele CA3595955.

ClinVar aggregate classification (germline): Uncertain significance. Review status: criteria provided, multiple submitters, no conflicts (2 of 4 stars). 4 submissions from 4 submitters: Uncertain significance (3). 1 of the submissions does not count toward it. Last evaluated 2026-01-12.

Conditions:
Ehlers-Danlos syndrome, dermatosparaxis type. Also called: EDS VIIC; Dermatosparaxis; Ehlers-Danlos syndrome, type VII, autosomal recessive. Identifiers: Orphanet 1901, MedGen C2700425, MONDO:0009161, OMIM 225410.

Allele frequency attached by ClinVar (database versions not stated): TOPMed 0.00004.
gnomAD v4.1: 154 of 1,602,454 alleles (0.0096%); highest among the groups gnomAD compares: Admixed American, 0.015%; no homozygotes.

Submissions (4):

Labcorp Genetics (formerly Invitae), Labcorp
Classification: Uncertain significance for Ehlers-Danlos syndrome, dermatosparaxis type. Last evaluated: 2026-01-12. Review status: criteria provided, single submitter. Criteria: Invitae Variant Classification Sherloc (09022015). Collection method: clinical testing. Allele origin: germline.
Comment: This sequence change replaces arginine, which is basic and polar, with histidine, which is basic and polar, at codon 458 of the ADAMTS2 protein (p.Arg458His). The frequency data for this variant in the population databases is considered unreliable, as metrics indicate poor data quality at this position in the gnomAD database. This variant has not been reported in the literature in individuals affected with ADAMTS2-related conditions. ClinVar contains an entry for this variant (Variation ID: 391746). An algorithm developed to predict the effect of missense changes on protein structure and function (PolyPhen-2) suggests that this variant is likely to be tolerated. In summary, the available evidence is currently insufficient to determine the role of this variant in disease. Therefore, it has been classified as a Variant of Uncertain Significance.

Women's Health and Genetics/Laboratory Corporation of America, LabCorp
Classification: Uncertain significance. Last evaluated: 2025-09-16. Review status: criteria provided, single submitter. Criteria: LabCorp Variant Classification Summary - May 2015. Collection method: clinical testing. Allele origin: germline.
Comment: Variant summary: ADAMTS2 c.1373G>A (p.Arg458His) results in a non-conservative amino acid change in the encoded protein sequence. Algorithms developed to predict the effect of missense changes on protein structure and function are either unavailable or do not agree on the potential impact of this missense change. The variant allele was found at a frequency of 6.2e-05 in 227302 control chromosomes. This frequency is not significantly higher than estimated for disease-causing variants in ADAMTS2, allowing no conclusion about variant significance. To our knowledge, no occurrence of c.1373G>A in individuals affected with ADAMTS2-related conditions and no experimental evidence demonstrating its impact on protein function have been reported. ClinVar contains an entry for this variant (Variation ID: 391746). Based on the evidence outlined above, the variant was classified as uncertain significance.

GeneDx
Classification: Uncertain significance. Last evaluated: 2024-05-08. Review status: criteria provided, single submitter. Criteria: GeneDx Variant Classification Process June 2021. Collection method: clinical testing. Allele origin: germline. Affected: yes.
Comment: In silico analysis supports that this missense variant has a deleterious effect on protein structure/function; Has not been previously published as pathogenic or benign to our knowledge

Natera, Inc.
Classification: Uncertain significance for Ehlers-Danlos syndrome type VIIC. Last evaluated: 2019-10-28. Review status: no assertion criteria provided. Collection method: clinical testing. Allele origin: germline. Not counted in ClinVar's aggregate classification.